The following is an entry in ClinVar:

NM_000255.4(MMUT):c.1884C>G (p.Asp628Glu)

Gene: MMUT (methylmalonyl-CoA mutase; minus strand). Cytogenetic location: 6p12.3.
Variant type: single nucleotide variant.
Coding change: c.1884C>G on transcript NM_000255.4 (MANE Select); coding-DNA position 1884, C replaced by G.
Protein change: p.Asp628Glu; replaces aspartic acid 628 with glutamic acid.
Molecular consequence: missense variant.
Genome position (GRCh38, 1-based): chr6:49,440,278, G>C on the plus strand (C>G on the coding strand, the complement: MMUT is on the minus strand). VCF-style: chr6-49440278-G-C. GRCh37 (hg19) VCF-style: chr6-49407991-G-C.
Other names: short protein forms D628E.
Identifiers: ClinVar variation 3368031 (VCV003368031.1).

ClinVar aggregate classification (germline): Uncertain significance (1 of 4 stars; one submission).

gnomAD v4.1: 1 of 1,613,920 alleles (0.000062%); highest among the groups gnomAD compares: African/African-American, 0.0013%; no homozygotes.

Submission:

GeneDx
Classification: Uncertain significance. Last evaluated: 2024-01-24. Review status: criteria provided, single submitter. Criteria: GeneDx Variant Classification Process June 2021. Collection method: clinical testing. Allele origin: germline. Affected: yes.
Comment: Not observed at significant frequency in large population cohorts (gnomAD); In silico analysis supports that this missense variant has a deleterious effect on protein structure/function; Has not been previously published as pathogenic or benign to our knowledge